The following is an entry in ClinVar:

ClinVar aggregate classification (germline): Uncertain significance. Review status: criteria provided, multiple submitters, no conflicts (2 of 4 stars). 2 submissions from 2 submitters: Uncertain significance (2). Last evaluated 2024-11-26.

Conditions:
Inborn genetic diseases. Identifiers: MedGen C0950123, MeSH D030342.

gnomAD v4.1: 2 of 1,530,784 alleles (0.00013%); highest among the groups gnomAD compares: Admixed American, 0.0022%; no homozygotes.

Submissions (2):

Ambry Genetics
Classification: Uncertain significance for Inborn genetic diseases. Last evaluated: 2024-11-26. Review status: criteria provided, single submitter. Criteria: Ambry Variant Classification Scheme 2023. Collection method: clinical testing. Allele origin: germline.

Labcorp Genetics (formerly Invitae), Labcorp
Classification: Uncertain significance. Last evaluated: 2022-03-26. Review status: criteria provided, single submitter. Criteria: Invitae Variant Classification Sherloc (09022015). Collection method: clinical testing. Allele origin: germline.
Comment: This sequence change replaces aspartic acid, which is acidic and polar, with asparagine, which is neutral and polar, at codon 2529 of the EYS protein (p.Asp2529Asn). This variant is present in population databases (no rsID available, gnomAD 0.006%). This variant has not been reported in the literature in individuals affected with EYS-related conditions. Algorithms developed to predict the effect of missense changes on protein structure and function output the following: SIFT: "Tolerated"; PolyPhen-2: "Benign"; Align-GVGD: "Class C0". The asparagine amino acid residue is found in multiple mammalian species, which suggests that this missense change does not adversely affect protein function. In summary, the available evidence is currently insufficient to determine the role of this variant in disease. Therefore, it has been classified as a Variant of Uncertain Significance.

NM_001142800.2(EYS):c.7585G>A (p.Asp2529Asn)

Gene: EYS (eyes shut homolog; minus strand). Cytogenetic location: 6q12.
Variant type: single nucleotide variant.
Coding change: c.7585G>A on transcript NM_001142800.2 (MANE Select); coding-DNA position 7585, G replaced by A.
Protein change: p.Asp2529Asn; replaces aspartic acid 2529 with asparagine.
Molecular consequence: missense variant.
Genome position (GRCh38, 1-based): chr6:63,788,243, C>T on the plus strand (G>A on the coding strand, the complement: EYS is on the minus strand). VCF-style: chr6-63788243-C-T. GRCh37 (hg19) VCF-style: chr6-64498136-C-T.
Other names: c.7585G>A, p.Asp2529Asn (NM_001292009.2); c.7585G>A (NM_001142800.1); short protein forms D2529N.
Identifiers: ClinVar variation 1900597 (VCV001900597.3), dbSNP rs1230404004, ClinGen allele CA364385539.